The following is an entry in ClinVar:

ClinVar aggregate classification (germline): Uncertain significance (1 of 4 stars; one submission).

Conditions:
Deficiency of aromatic-L-amino-acid decarboxylase. Also called: DDC DEFICIENCY; DOPA DECARBOXYLASE DEFICIENCY; Aromatic amino acid decarboxylase deficiency; AADC DEFICIENCY; Aromatic L-Amino Acid Decarboxylase Deficiency. Identifiers: Orphanet 35708, MedGen C1291564, MONDO:0012084, OMIM 608643.

Submission:

Labcorp Genetics (formerly Invitae), Labcorp
Classification: Uncertain significance for Deficiency of aromatic-L-amino-acid decarboxylase. Last evaluated: 2021-08-24. Review status: criteria provided, single submitter. Criteria: Invitae Variant Classification Sherloc (09022015). Collection method: clinical testing. Allele origin: germline.
Comment: This variant, c.1303_1317del, results in the deletion of 5 amino acid(s) of the DDC protein (p.Val436_Leu440del), but otherwise preserves the integrity of the reading frame. This variant is not present in population databases (ExAC no frequency). This variant has not been reported in the literature in individuals affected with DDC-related conditions. Experimental studies and prediction algorithms are not available or were not evaluated, and the functional significance of this variant is currently unknown. In summary, the available evidence is currently insufficient to determine the role of this variant in disease. Therefore, it has been classified as a Variant of Uncertain Significance.

NM_001082971.2(DDC):c.1303_1317del (p.Val436_Leu440del)

Gene: DDC (dopa decarboxylase; minus strand). Cytogenetic location: 7p12.2.
Variant type: Deletion.
Coding change: c.1303_1317del on transcript NM_001082971.2 (MANE Select); coding-DNA positions 1303 to 1317, 15 bases deleted (TTGGTTCCATGTCAC).
Protein change: p.Val436_Leu440del.
Molecular consequence: inframe deletion.
Genome position (GRCh38, 1-based): chr7:50,463,357-50,463,371, GTGACATGGAACCAA deleted on the plus strand (TTGGTTCCATGTCAC on the coding strand, the reverse complement: DDC is on the minus strand); deleting any 15 consecutive bases within chr7:50,463,357-50,463,374 gives the same sequence; the c. name uses the placement nearest the transcript's 3' end. VCF-style (leftmost placement, unchanged base first): chr7-50463356-GGTGACATGGAACCAA-G. GRCh37 (hg19) VCF-style: chr7-50531054-GGTGACATGGAACCAA-G.
Other names: c.1303_1317del, p.Val436_Leu440del (NM_000790.4); c.1189_1203del, p.Val398_Leu402del (NM_001242886.2); c.1159_1173del, p.Val388_Leu392del (NM_001242887.2); c.1069_1083del, p.Val358_Leu362del (NM_001242888.2); c.1024_1038del, p.Val343_Leu347del (NM_001242889.2).
Identifiers: ClinVar variation 1446716 (VCV001446716.5), dbSNP rs2153533010, ClinGen allele CA2554027986.